The following is an entry in ClinVar:

NM_003332.4(TYROBP):c.*25A>C

Gene: TYROBP (transmembrane immune signaling adaptor TYROBP; minus strand). Cytogenetic location: 19q13.12.
Variant type: single nucleotide variant.
Coding change: c.*25A>C on transcript NM_003332.4 (MANE Select); 25 bases downstream of the stop codon, A replaced by C.
Molecular consequence: 3 prime UTR variant. On other transcripts: non-coding transcript variant (1).
Genome position (GRCh38, 1-based): chr19:35,904,544, T>G on the plus strand (A>C on the coding strand, the complement: TYROBP is on the minus strand). VCF-style: chr19-35904544-T-G. GRCh37 (hg19) VCF-style: chr19-36395446-T-G.
Other names: c.*25A>C (NM_001173514.2, NM_001173515.2, NM_198125.3).
Identifiers: ClinVar variation 328892 (VCV000328892.7), dbSNP rs1802029, ClinGen allele CA9392994.

ClinVar aggregate classification (germline): Benign. Review status: criteria provided, multiple submitters, no conflicts (2 of 4 stars). 3 submissions from 3 submitters: Benign (3). Last evaluated 2018-09-23.

Conditions:
Polycystic lipomembranous osteodysplasia with sclerosing leukoencephalopathy 1 (PLOSL1). Also called: TYROBP-Related Polycystic Lipomembranous Osteodysplasia with Sclerosing Leukoencephalopathy; TREM2-Related Polycystic Lipomembranous Osteodysplasia with Sclerosing Leukoencephalopathy. Identifiers: Orphanet 2770, MedGen C4721893, MONDO:0020749, OMIM 221770.

Allele frequency attached by ClinVar (database versions not stated): gnomAD exomes 0.03595; ExAC 0.04586; gnomAD 0.07240 and 0.07474; ESP Exome Variant Server 0.07727; TOPMed 0.08142; 1000 Genomes Project 0.09345; 1000 Genomes Project 30x 0.09588.
gnomAD v4.1: 41,846 of 1,611,984 alleles (2.6%); highest among the groups gnomAD compares: African/African-American, 21%; 2,244 homozygotes.

Submissions (3):

GeneDx
Classification: Benign. Last evaluated: 2018-09-23. Review status: criteria provided, single submitter. Criteria: GeneDx Variant Classification Process June 2021. Collection method: clinical testing. Allele origin: germline. Affected: yes.

Illumina Laboratory Services, Illumina
Classification: Benign for Polycystic lipomembranous osteodysplasia with sclerosing leukoencephalopathy 1. Last evaluated: 2018-01-13. Review status: criteria provided, single submitter. Criteria: ICSL Variant Classification Criteria 13 December 2019. Collection method: clinical testing. Allele origin: germline.
Comment: This variant was observed in the ICSL laboratory as part of a predisposition screen in an ostensibly healthy population. It had not been previously curated by ICSL or reported in the Human Gene Mutation Database (HGMD: prior to June 1st, 2018), and was therefore a candidate for classification through an automated scoring system. Utilizing variant allele frequency, disease prevalence and penetrance estimates, and inheritance mode, an automated score was calculated to assess if this variant is too frequent to cause the disease. Based on the score and internal cut-off values, a variant classified as benign is not then subjected to further curation. The score for this variant resulted in a classification of benign for this disease.

Breakthrough Genomics
Classification: Benign. Review status: criteria provided, single submitter. Criteria: ACMG Guidelines, 2015. Collection method: not provided. Allele origin: germline. Inheritance: Autosomal recessive inheritance. Affected: yes.